The following is an entry in ClinVar:

ClinVar aggregate classification (germline): Uncertain significance (1 of 4 stars; one submission).

Conditions:
Intellectual disability, X-linked 49 (MRXSRC). Also called: MRX49; CLCN4-Related Neurodevelopmental Disorder; CLCN4-related X-linked intellectual disability syndrome; RAYNAUD-CLAES SYNDROME; MENTAL RETARDATION, X-LINKED 15. Identifiers: Orphanet 485350, Orphanet 777, MedGen C0796221, MONDO:0010250, OMIM 300114.

gnomAD v4.1: 12 of 1,209,116 alleles (0.00099%); highest among the groups gnomAD compares: Admixed American, 0.0022%; no homozygotes.

Submission:

Neuberg Centre For Genomic Medicine, NCGM
Classification: Uncertain significance for Intellectual disability, X-linked 49. Last evaluated: 2023-06-22. Review status: criteria provided, single submitter. Criteria: ACMG Guidelines, 2015. Collection method: clinical testing. Allele origin: germline. Inheritance: X-linked dominant inheritance. Affected: yes.
Comment: The observed missense variant c.1051C>T(p.Arg351Cys) in CLCN4 gene has not been reported previously as a pathogenic variant nor as a benign variant, to our knowledge. This variant is reported with 0.001% allele frequency in gnomAD Exomes. The amino acid Arg at position 351 is changed to a Cys changing protein sequence and it might alter its composition and physico-chemical properties. Multiple lines of computational evidence (Polyphen-probably damaging, SIFT-damaging and MutationTaster-disease causing) predict a damaging effect on protein structure and function for this variant. The reference amino acid p.Arg351Cys in CLCN4 is predicted as conserved by GERP++ and PhyloP across 100 vertebrates. For these reasons, this variant has been classified as Uncertain Significance.

NM_001830.4(CLCN4):c.1051C>T (p.Arg351Cys)

Gene: CLCN4 (Cl-/H+ antiporter 4; plus strand). Cytogenetic location: Xp22.2.
Variant type: single nucleotide variant.
Coding change: c.1051C>T on transcript NM_001830.4 (MANE Select); coding-DNA position 1051, C replaced by T.
Protein change: p.Arg351Cys; replaces arginine 351 with cysteine.
Molecular consequence: missense variant.
Genome position (GRCh38, 1-based): chrX:10,208,252, C>T. VCF-style: chrX-10208252-C-T. GRCh37 (hg19) VCF-style: chrX-10176292-C-T.
Other names: c.769C>T, p.Arg257Cys (NM_001256944.2); short protein forms R257C, R351C.
Identifiers: ClinVar variation 3731439 (VCV003731439.1).